The following is an entry in ClinVar:

NM_015192.4(PLCB1):c.2947C>T (p.Pro983Ser)

Gene: PLCB1 (phospholipase C beta 1; plus strand). Cytogenetic location: 20p12.3.
Variant type: single nucleotide variant.
Coding change: c.2947C>T on transcript NM_015192.4 (MANE Select); coding-DNA position 2947, C replaced by T.
Protein change: p.Pro983Ser; replaces proline 983 with serine.
Molecular consequence: missense variant.
Genome position (GRCh38, 1-based): chr20:8,774,555, C>T. VCF-style: chr20-8774555-C-T. GRCh37 (hg19) VCF-style: chr20-8755202-C-T.
Other names: c.2947C>T, p.Pro983Ser (NM_182734.3); short protein forms P983S.
Identifiers: ClinVar variation 410074 (VCV000410074.14), dbSNP rs371547145, ClinGen allele CA9760428.

ClinVar aggregate classification (germline): Uncertain significance. Review status: criteria provided, multiple submitters, no conflicts (2 of 4 stars). 3 submissions from 3 submitters: Uncertain significance (3). Last evaluated 2024-12-12.

Conditions:
Inborn genetic diseases. Identifiers: MedGen C0950123, MeSH D030342.
Developmental and epileptic encephalopathy, 12 (DEE12). Identifiers: MedGen C3150988, MONDO:0013389, OMIM 613722.

Allele frequency attached by ClinVar (database versions not stated): ExAC 0.00001; gnomAD exomes 0.00001 and 0.00005; gnomAD 0.00003 and 0.00004; TOPMed 0.00004; ESP Exome Variant Server 0.00008.
gnomAD v4.1: 82 of 1,611,570 alleles (0.0051%); highest among the groups gnomAD compares: Non-Finnish European, 0.0066%; no homozygotes.

Submissions (3):

Ambry Genetics
Classification: Uncertain significance for Inborn genetic diseases. Last evaluated: 2024-12-12. Review status: criteria provided, single submitter. Criteria: Ambry Variant Classification Scheme 2023. Collection method: clinical testing. Allele origin: germline.

Labcorp Genetics (formerly Invitae), Labcorp
Classification: Uncertain significance for Developmental and epileptic encephalopathy, 12. Last evaluated: 2023-12-11. Review status: criteria provided, single submitter. Criteria: Invitae Variant Classification Sherloc (09022015). Collection method: clinical testing. Allele origin: germline.
Comment: This sequence change replaces proline, which is neutral and non-polar, with serine, which is neutral and polar, at codon 983 of the PLCB1 protein (p.Pro983Ser). This variant is present in population databases (rs371547145, gnomAD 0.003%). This variant has not been reported in the literature in individuals affected with PLCB1-related conditions. ClinVar contains an entry for this variant (Variation ID: 410074). An algorithm developed to predict the effect of missense changes on protein structure and function (PolyPhen-2) suggests that this variant¬†is likely to be tolerated. In summary, the available evidence is currently insufficient to determine the role of this variant in disease. Therefore, it has been classified as a Variant of Uncertain Significance.

Eurofins Ntd Llc (ga)
Classification: Uncertain significance. Last evaluated: 2018-09-06. Review status: criteria provided, single submitter. Criteria: EGL ClinVar v180209 classification definitions. Collection method: clinical testing. Allele origin: germline. Observed: 1 variant allele, 1 heterozygote.